The following is an entry in ClinVar:

ClinVar aggregate classification (germline): Conflicting classifications of pathogenicity. Review status: criteria provided, conflicting classifications (1 of 4 stars). 2 submissions from 2 submitters: Uncertain significance (1); Likely benign (1). Last evaluated 2023-03-23.

Conditions:
Hereditary cancer-predisposing syndrome. Also called: Neoplastic Syndromes, Hereditary; Tumor predisposition; Hereditary Cancer Syndrome; Hereditary neoplastic syndrome. Identifiers: Orphanet 140162, MedGen C0027672, MeSH D009386, MONDO:0015356.
Hereditary breast ovarian cancer syndrome. Also called: Hereditary breast and ovarian cancer syndrome; Hereditary breast and ovarian cancer; Hereditary breast and ovarian cancer syndrome (HBOC); Hereditary breast and/or ovarian cancer syndrome; Breast and ovarian cancer; BRCA1- and BRCA2-Associated Hereditary Breast and Ovarian Cancer. Identifiers: Orphanet 145, MedGen C0677776, MeSH D061325, MONDO:0003582. Disease mechanism: loss of function.

Submissions (2):

University of Washington Department of Laboratory Medicine, University of Washington
Classification: Likely benign for Hereditary cancer-predisposing syndrome. Last evaluated: 2023-03-23. Review status: criteria provided, single submitter. Criteria: Dines et al. (Genet Med. 2020). Collection method: curation. Allele origin: germline.
Comment: Missense variant in a coldspot region where missense variants are very unlikely to be pathogenic (PMID:31911673).

BRCA1 coldspot (exon 11 using historical exon numbering). Reclassification based on statistical prior probability

Labcorp Genetics (formerly Invitae), Labcorp
Classification: Uncertain significance for Hereditary breast ovarian cancer syndrome. Last evaluated: 2022-03-17. Review status: criteria provided, single submitter. Criteria: Invitae Variant Classification Sherloc (09022015). Collection method: clinical testing. Allele origin: germline.
Comment: In summary, the available evidence is currently insufficient to determine the role of this variant in disease. Therefore, it has been classified as a Variant of Uncertain Significance. Advanced modeling of protein sequence and biophysical properties (such as structural, functional, and spatial information, amino acid conservation, physicochemical variation, residue mobility, and thermodynamic stability) performed at Invitae indicates that this missense variant is not expected to disrupt BRCA1 protein function. This variant has not been reported in the literature in individuals affected with BRCA1-related conditions. This variant is not present in population databases (gnomAD no frequency). This sequence change replaces arginine, which is basic and polar, with isoleucine, which is neutral and non-polar, at codon 1347 of the BRCA1 protein (p.Arg1347Ile).

NM_007294.4(BRCA1):c.4040G>T (p.Arg1347Ile)

Genes: BRCA1 (BRCA1 DNA repair associated; minus strand), LOC126862571 (BRD4-independent group 4 enhancer GRCh37_chr17:41243136-41244335; plus strand). Cytogenetic location: 17q21.31.
Variant type: single nucleotide variant.
Coding change: c.4040G>T on transcript NM_007294.4 (MANE Select); coding-DNA position 4040, G replaced by T.
Protein change: p.Arg1347Ile; replaces arginine 1347 with isoleucine.
Molecular consequence: missense variant. On other transcripts: intron variant (135).
Genome position (GRCh38, 1-based): chr17:43,091,491, C>A on the plus strand (G>T on the coding strand, the complement: BRCA1 is on the minus strand). VCF-style: chr17-43091491-C-A. GRCh37 (hg19) VCF-style: chr17-41243508-C-A.
Other names: c.3830G>T, p.Arg1277Ile (NM_001407879.1, NM_001407881.1, NM_001407882.1 and 13 more transcripts); c.3827G>T, p.Arg1276Ile (NM_001407894.1, NM_001407895.1, NM_001407896.1 and 9 more transcripts); c.3917G>T, p.Arg1306Ile (NM_001407919.1, NM_001407648.1, NM_001407664.1 and 19 more transcripts); c.3776G>T, p.Arg1259Ile (NM_001407920.1, NM_001407921.1, NM_001407922.1 and 9 more transcripts); c.4040G>T, p.Arg1347Ile (NM_001407581.1, NM_001407582.1, NM_001407583.1 and 30 more transcripts); c.4037G>T, p.Arg1346Ile (NM_001407587.1, NM_001407590.1, NM_001407591.1 and 22 more transcripts); c.4031G>T, p.Arg1344Ile (NM_001407646.1, NM_001407647.1); c.3914G>T, p.Arg1305Ile (NM_001407649.1, NM_001407670.1, NM_001407671.1 and 11 more transcripts); and 41 more; short protein forms R1235I, R1279I, R1300I, R1051I, R1219I, R1220I, R1236I, R1299I.
Identifiers: ClinVar variation 2113170 (VCV002113170.6), dbSNP rs80357210, ClinGen allele CA10593878.